The following is an entry in ClinVar:

ClinVar aggregate classification (germline): Uncertain significance (1 of 4 stars; one submission).

Conditions:
Nephronophthisis 18 (NPHP18). Identifiers: Orphanet 655, MedGen C3890591, MONDO:0014374, OMIM 615862.

Allele frequency attached by ClinVar (database versions not stated): gnomAD 0.00001 and 0.00002; gnomAD exomes 0.00002; TOPMed 0.00002; ExAC 0.00003.
gnomAD v4.1: 14 of 1,612,444 alleles (0.00087%); highest among the groups gnomAD compares: Middle Eastern, 0.033%; no homozygotes.

Submission:

Labcorp Genetics (formerly Invitae), Labcorp
Classification: Uncertain significance for Nephronophthisis 18. Last evaluated: 2022-05-31. Review status: criteria provided, single submitter. Criteria: Invitae Variant Classification Sherloc (09022015). Collection method: clinical testing. Allele origin: germline.
Comment: Algorithms developed to predict the effect of sequence changes on RNA splicing suggest that this variant may create or strengthen a splice site. Algorithms developed to predict the effect of missense changes on protein structure and function are either unavailable or do not agree on the potential impact of this missense change (SIFT: "Not Available"; PolyPhen-2: "Benign"; Align-GVGD: "Not Available"). ClinVar contains an entry for this variant (Variation ID: 1449562). This variant has not been reported in the literature in individuals affected with CEP83-related conditions. This variant is present in population databases (rs763560797, gnomAD 0.003%). This sequence change replaces glutamine, which is neutral and polar, with glutamic acid, which is acidic and polar, at codon 395 of the CEP83 protein (p.Gln395Glu). In summary, the available evidence is currently insufficient to determine the role of this variant in disease. Therefore, it has been classified as a Variant of Uncertain Significance.

NM_016122.3(CEP83):c.1183C>G (p.Gln395Glu)

Gene: CEP83 (centrosomal protein 83; minus strand). Cytogenetic location: 12q22.
Variant type: single nucleotide variant.
Coding change: c.1183C>G on transcript NM_016122.3 (MANE Select); coding-DNA position 1183, C replaced by G.
Protein change: p.Gln395Glu; replaces glutamine 395 with glutamic acid.
Molecular consequence: missense variant. On other transcripts: non-coding transcript variant (1).
Genome position (GRCh38, 1-based): chr12:94,368,067, G>C on the plus strand (C>G on the coding strand, the complement: CEP83 is on the minus strand). VCF-style: chr12-94368067-G-C. GRCh37 (hg19) VCF-style: chr12-94761843-G-C.
Other names: c.1183C>G, p.Gln395Glu (NM_001042399.2, NM_001346457.2, NM_001368037.1 and 1 more transcripts); c.871C>G, p.Gln291Glu (NM_001346458.2, NM_001346459.2, NM_001368039.1 and 1 more transcripts); c.958C>G, p.Gln320Glu (NM_001368041.1); short protein forms Q395E, Q291E, Q320E.
Identifiers: ClinVar variation 1449562 (VCV001449562.4), dbSNP rs763560797, ClinGen allele CA6721734.